The following is an entry in ClinVar:

NM_024306.5(FA2H):c.1055C>T (p.Thr352Ile)

Gene: FA2H (fatty acid 2-hydroxylase; minus strand). Cytogenetic location: 16q23.1.
Variant type: single nucleotide variant.
Coding change: c.1055C>T on transcript NM_024306.5 (MANE Select); coding-DNA position 1055, C replaced by T.
Protein change: p.Thr352Ile; replaces threonine 352 with isoleucine.
Molecular consequence: missense variant.
Genome position (GRCh38, 1-based): chr16:74,714,254, G>A on the plus strand (C>T on the coding strand, the complement: FA2H is on the minus strand). VCF-style: chr16-74714254-G-A. GRCh37 (hg19) VCF-style: chr16-74748152-G-A.
Other names: short protein forms T352I.
Identifiers: ClinVar variation 528011 (VCV000528011.7), dbSNP rs375479162, ClinGen allele CA396768762.

ClinVar aggregate classification (germline): Uncertain significance. Review status: criteria provided, multiple submitters, no conflicts (2 of 4 stars). 3 submissions from 3 submitters: Uncertain significance (3). Last evaluated 2025-06-25.

Conditions:
Spastic paraplegia. Identifiers: MedGen C0037772, HP:0001258.

Allele frequency attached by ClinVar (database versions not stated): gnomAD exomes below 0.00001; gnomAD 0.00001.
gnomAD v4.1: 8 of 1,560,940 alleles (0.00051%); highest among the groups gnomAD compares: Admixed American, 0.0038%; no homozygotes.

Submissions (3):

Women's Health and Genetics/Laboratory Corporation of America, LabCorp
Classification: Uncertain significance. Last evaluated: 2025-06-25. Review status: criteria provided, single submitter. Criteria: LabCorp Variant Classification Summary - May 2015. Collection method: clinical testing. Allele origin: germline.
Comment: Variant summary: FA2H c.1055C>T (p.Thr352Ile) results in a non-conservative amino acid change in the encoded protein sequence. Algorithms developed to predict the effect of missense changes on protein structure and function all suggest that this variant is likely to be disruptive. The variant allele was found at a frequency of 1.2e-05 in 168580 control chromosomes (gnomAD). The available data on variant occurrences in the general population are insufficient to allow any conclusion about variant significance. c.1055C>T has been observed in an individual affected with Hereditary Spastic Paraplegia 35 (Mari_2018). These data do not allow any conclusion about variant significance. To our knowledge, no experimental evidence demonstrating an impact on protein function has been reported. The following publication has been ascertained in the context of this evaluation (PMID: 29423566). ClinVar contains an entry for this variant (Variation ID: 528011). Based on the evidence outlined above, the variant was classified as uncertain significance.

Blueprint Genetics
Classification: Uncertain significance. Last evaluated: 2024-11-08. Review status: criteria provided, single submitter. Criteria: ACMG Guidelines, 2015. Collection method: clinical testing. Allele origin: germline.

Labcorp Genetics (formerly Invitae), Labcorp
Classification: Uncertain significance for Spastic paraplegia. Last evaluated: 2024-10-22. Review status: criteria provided, single submitter. Criteria: Invitae Variant Classification Sherloc (09022015). Collection method: clinical testing. Allele origin: germline.
Comment: This sequence change replaces threonine, which is neutral and polar, with isoleucine, which is neutral and non-polar, at codon 352 of the FA2H protein (p.Thr352Ile). The frequency data for this variant in the population databases is considered unreliable, as metrics indicate poor data quality at this position in the gnomAD database. This missense change has been observed in individual(s) with clinical features of hereditary spastic paraplegia (PMID: 29423566). ClinVar contains an entry for this variant (Variation ID: 528011). Invitae Evidence Modeling of protein sequence and biophysical properties (such as structural, functional, and spatial information, amino acid conservation, physicochemical variation, residue mobility, and thermodynamic stability) has been performed for this missense variant. However, the output from this modeling did not meet the statistical confidence thresholds required to predict the impact of this variant on FA2H protein function. In summary, the available evidence is currently insufficient to determine the role of this variant in disease. Therefore, it has been classified as a Variant of Uncertain Significance.

Literature cited by the submitters: PubMed 29423566 (cited by Women's Health and Genetics/Laboratory Corporation of America, LabCorp and Labcorp Genetics (formerly Invitae), Labcorp).